The following is an entry in ClinVar:

NM_003680.4(YARS1):c.1570G>C (p.Gly524Arg)

Gene: YARS1 (tyrosyl-tRNA synthetase 1; minus strand). Cytogenetic location: 1p35.1.
Variant type: single nucleotide variant.
Coding change: c.1570G>C on transcript NM_003680.4 (MANE Select); coding-DNA position 1570, G replaced by C.
Protein change: p.Gly524Arg; replaces glycine 524 with arginine.
Molecular consequence: missense variant.
Genome position (GRCh38, 1-based): chr1:32,775,998, C>G on the plus strand (G>C on the coding strand, the complement: YARS1 is on the minus strand). VCF-style: chr1-32775998-C-G. GRCh37 (hg19) VCF-style: chr1-33241599-C-G.
Other names: short protein forms G524R.
Identifiers: ClinVar variation 855711 (VCV000855711.10), dbSNP rs141974881, ClinGen allele CA744858.

ClinVar aggregate classification (germline): Uncertain significance. Review status: criteria provided, multiple submitters, no conflicts (2 of 4 stars). 3 submissions from 3 submitters: Uncertain significance (3). Last evaluated 2025-12-23.

Conditions:
Inborn genetic diseases. Identifiers: MedGen C0950123, MeSH D030342.
YARS1-related disorder. Also called: YARS1-related condition.
Charcot-Marie-Tooth disease dominant intermediate C (CMTDIC). Also called: CHARCOT-MARIE-TOOTH NEUROPATHY, DOMINANT INTERMEDIATE C. Identifiers: Orphanet 100045, MedGen C1842237, MONDO:0012012, OMIM 608323.

Allele frequency attached by ClinVar (database versions not stated): gnomAD exomes 0.00001 and 0.00002; ExAC 0.00002; gnomAD 0.00006; TOPMed 0.00006; ESP Exome Variant Server 0.00008; 1000 Genomes Project 0.00020; 1000 Genomes Project 30x 0.00031.
gnomAD v4.1: 21 of 1,614,104 alleles (0.0013%); highest among the groups gnomAD compares: African/African-American, 0.027%; no homozygotes.

Submissions (3):

PreventionGenetics, part of Exact Sciences
Classification: Uncertain significance for YARS1-related condition. Last evaluated: 2025-12-23. Review status: criteria provided, single submitter. Criteria: ACMG Guidelines, 2015. Collection method: clinical testing. Allele origin: germline.
Comment: The YARS1 c.1570G>C variant is predicted to result in the amino acid substitution p.Gly524Arg. To our knowledge, this variant has not been reported in the literature. This variant is reported in 0.032% of alleles in individuals of African descent in gnomAD. At this time, the clinical significance of this variant is uncertain due to the absence of conclusive functional and genetic evidence.

Labcorp Genetics (formerly Invitae), Labcorp
Classification: Uncertain significance for Charcot-Marie-Tooth disease dominant intermediate C. Last evaluated: 2025-10-01. Review status: criteria provided, single submitter. Criteria: Invitae Variant Classification Sherloc (09022015). Collection method: clinical testing. Allele origin: germline.
Comment: This sequence change replaces glycine, which is neutral and non-polar, with arginine, which is basic and polar, at codon 524 of the YARS protein (p.Gly524Arg). This variant is present in population databases (rs141974881, gnomAD 0.03%). This variant has not been reported in the literature in individuals affected with YARS-related conditions. ClinVar contains an entry for this variant (Variation ID: 855711). Invitae Evidence Modeling of protein sequence and biophysical properties (such as structural, functional, and spatial information, amino acid conservation, physicochemical variation, residue mobility, and thermodynamic stability) indicates that this missense variant is not expected to disrupt YARS protein function with a negative predictive value of 80%. In summary, the available evidence is currently insufficient to determine the role of this variant in disease. Therefore, it has been classified as a Variant of Uncertain Significance.

Ambry Genetics
Classification: Uncertain significance for Inborn genetic diseases. Last evaluated: 2025-04-01. Review status: criteria provided, single submitter. Criteria: Ambry Variant Classification Scheme 2023. Collection method: clinical testing. Allele origin: germline.